The following is an entry in ClinVar:

NM_020778.5(ALPK3):c.4154del (p.Pro1385fs)

Gene: ALPK3 (alpha kinase 3; plus strand). Cytogenetic location: 15q25.3.
Variant type: Deletion.
Coding change: c.4154del on transcript NM_020778.5 (MANE Select); coding-DNA position 4154, one base deleted (C; older notation c.4154delC).
Protein change: p.Pro1385fs; shifts the reading frame from proline 1385.
Molecular consequence: frameshift variant.
Genome position (GRCh38, 1-based): chr15:84,862,659, C deleted; the last of 4 consecutive C bases (chr15:84,862,656-84,862,659); deleting any one gives the same sequence. VCF-style (leftmost placement, unchanged base first): chr15-84862655-AC-A. GRCh37 (hg19) VCF-style: chr15-85405886-AC-A.
Other names: c.4760delC (NM_020778.4); short protein forms P1385fs.
Identifiers: ClinVar variation 1064814 (VCV001064814.9), dbSNP rs568699617, ClinGen allele CA273631192.

ClinVar aggregate classification (germline): Pathogenic. Review status: criteria provided, multiple submitters, no conflicts (2 of 4 stars). 4 submissions from 4 submitters: Pathogenic (4). Last evaluated 2026-03-04.

Conditions:
Cardiomyopathy, familial hypertrophic 27. Identifiers: MedGen C4748014, MONDO:0054838, OMIM 618052.
Neurodevelopmental disorder. Identifiers: MedGen C1535926, MeSH D065886, MONDO:0700092.
Cardiovascular phenotype. Identifiers: MedGen CN230736.

Submissions (4):

GeneDx
Classification: Pathogenic. Last evaluated: 2026-03-04. Review status: criteria provided, single submitter. Criteria: GeneDx Variant Classification Process June 2021. Collection method: clinical testing. Allele origin: germline.
Comment: Frameshift variant predicted to result in protein truncation or nonsense mediated decay in a gene for which loss of function is a known mechanism of disease; Reported in patients with cardiomyopathy in published literature; however detailed clinical information was not provided (PMID: 32480058, 34263907); Not observed at significant frequency in large population cohorts (gnomAD); Also known as p.(P1587Lfs*23); This variant is associated with the following publications: (PMID: 34263907, 32480058, 37477868)

Labcorp Genetics (formerly Invitae), Labcorp
Classification: Pathogenic. Last evaluated: 2025-09-29. Review status: criteria provided, single submitter. Criteria: Invitae Variant Classification Sherloc (09022015). Collection method: clinical testing. Allele origin: germline.
Comment: This sequence change creates a premature translational stop signal (p.Pro1587Leufs*23) in the ALPK3 gene. It is expected to result in an absent or disrupted protein product. Loss-of-function variants in ALPK3 are known to be pathogenic (PMID: 21441111, 26846950, 27106955, 34263907). This variant is present in population databases (rs568699617, gnomAD 0.002%). This premature translational stop signal has been observed in individual(s) with arrhythmogenic cardiomyopathy (PMID: 32480058). ClinVar contains an entry for this variant (Variation ID: 1064814). Algorithms developed to predict the effect of sequence changes on RNA splicing suggest that this variant may disrupt the consensus splice site. For these reasons, this variant has been classified as Pathogenic.

Ambry Genetics
Classification: Pathogenic for Cardiovascular phenotype. Last evaluated: 2023-10-16. Review status: criteria provided, single submitter. Criteria: Ambry Variant Classification Scheme 2023. Collection method: clinical testing. Allele origin: germline.
Comment: The c.4760delC pathogenic mutation, located in coding exon 10 of the ALPK3 gene, results from a deletion of one nucleotide at nucleotide position 4760, causing a translational frameshift with a predicted alternate stop codon (p.P1587Lfs*23). This alteration has been reported in cardiomyopathy cohorts (Herkert JC et al. Am Heart J, 2020 Jul;225:108-119; Akinrinade O et al. J Cardiovasc Transl Res, 2023 Jul;[ePub ahead of print]). In addition to the clinical data presented in the literature, this alteration is expected to result in loss of function by premature protein truncation or nonsense-mediated mRNA decay. As such, this alteration is interpreted as a disease-causing mutation.

Laboratory of Molecular Genetics (Pr. Bezieau's lab), CHU de Nantes
Classification: Pathogenic for Neurodevelopmental disorder. Last evaluated: 2021-01-19. Review status: criteria provided, single submitter. Criteria: ACMG Guidelines, 2015. Collection method: clinical testing. Allele origin: germline. Affected: yes.

Literature cited by the submitters: PubMed 21441111 (cited by Labcorp Genetics (formerly Invitae), Labcorp); PubMed 26846950 (cited by Labcorp Genetics (formerly Invitae), Labcorp); PubMed 27106955 (cited by Labcorp Genetics (formerly Invitae), Labcorp); PubMed 34263907 (cited by Labcorp Genetics (formerly Invitae), Labcorp); PubMed 32480058 (cited by Labcorp Genetics (formerly Invitae), Labcorp and Ambry Genetics); PubMed 37477868 (cited by Ambry Genetics).